The following is an entry in ClinVar:

ClinVar aggregate classification (germline): Uncertain significance (1 of 4 stars; one submission).

Allele frequency attached by ClinVar (database versions not stated): gnomAD 0.00001.
gnomAD v4.1: 1 of 1,612,946 alleles (0.000062%); highest among the groups gnomAD compares: Non-Finnish European, 0.000085%; no homozygotes.

Submission:

Labcorp Genetics (formerly Invitae), Labcorp
Classification: Uncertain significance. Last evaluated: 2024-02-19. Review status: criteria provided, single submitter. Criteria: Invitae Variant Classification Sherloc (09022015). Collection method: clinical testing. Allele origin: germline.
Comment: This sequence change replaces serine, which is neutral and polar, with alanine, which is neutral and non-polar, at codon 632 of the GRIN2D protein (p.Ser632Ala). This variant is not present in population databases (gnomAD no frequency). This variant has not been reported in the literature in individuals affected with GRIN2D-related conditions. An algorithm developed to predict the effect of missense changes on protein structure and function (PolyPhen-2) suggests that this variant is likely to be disruptive. In summary, the available evidence is currently insufficient to determine the role of this variant in disease. Therefore, it has been classified as a Variant of Uncertain Significance.

NM_000836.4(GRIN2D):c.1894T>G (p.Ser632Ala)

Genes: GRIN2D (glutamate ionotropic receptor NMDA type subunit 2D; plus strand), LOC130064857 (ATAC-STARR-seq lymphoblastoid active region 14894; plus strand). Cytogenetic location: 19q13.33.
Variant type: single nucleotide variant.
Coding change: c.1894T>G on transcript NM_000836.4 (MANE Select); coding-DNA position 1894, T replaced by G.
Protein change: p.Ser632Ala; replaces serine 632 with alanine.
Molecular consequence: missense variant.
Genome position (GRCh38, 1-based): chr19:48,419,617, T>G. VCF-style: chr19-48419617-T-G. GRCh37 (hg19) VCF-style: chr19-48922874-T-G.
Other names: short protein forms S632A.
Identifiers: ClinVar variation 2700661 (VCV002700661.3), dbSNP rs1970993072, ClinGen allele CA406697747.